The following is an entry in ClinVar:

NM_024422.6(DSC2):c.2047C>A (p.Pro683Thr)

Gene: DSC2 (desmocollin 2; minus strand). Cytogenetic location: 18q12.1.
Variant type: single nucleotide variant.
Coding change: c.2047C>A on transcript NM_024422.6 (MANE Select); coding-DNA position 2047, C replaced by A.
Protein change: p.Pro683Thr; replaces proline 683 with threonine.
Molecular consequence: missense variant.
Genome position (GRCh38, 1-based): chr18:31,071,683, G>T on the plus strand (C>A on the coding strand, the complement: DSC2 is on the minus strand). VCF-style: chr18-31071683-G-T. GRCh37 (hg19) VCF-style: chr18-28651649-G-T.
Other names: c.2047C>A, p.Pro683Thr (NM_004949.5); short protein forms P683T.
Identifiers: ClinVar variation 575502 (VCV000575502.10), dbSNP rs1386709734, ClinGen allele CA402112991.

ClinVar aggregate classification (germline): Uncertain significance. Review status: criteria provided, multiple submitters, no conflicts (2 of 4 stars). 3 submissions from 3 submitters: Uncertain significance (3). Last evaluated 2025-09-10.

Conditions:
Cardiomyopathy (CMYO). Also called: Cardiomyopathies. Identifiers: Orphanet 167848, MedGen C0878544, MONDO:0004994, HP:0001638. Inheritance: Various modes of inheritance.
Familial isolated arrhythmogenic right ventricular dysplasia. Identifiers: Orphanet 217656, MedGen C4274968, MONDO:0016342.
Arrhythmogenic right ventricular dysplasia 11. Also called: Arrhythmogenic right ventricular dysplasia 11 with mild palmoplantar keratoderma and woolly hair; Arrhythmogenic Right Ventricular Dysplasia/Cardiomyopathy11; ARRHYTHMOGENIC RIGHT VENTRICULAR DYSPLASIA, FAMILIAL, 11. Identifiers: MedGen C1864850, MONDO:0012506, OMIM 610476.

Allele frequency attached by ClinVar (database versions not stated): TOPMed 0.00001; gnomAD 0.00001.
gnomAD v4.1: 1 of 1,613,558 alleles (0.000062%); highest among the groups gnomAD compares: Non-Finnish European, 0.000085%; no homozygotes.

Submissions (3):

Labcorp Genetics (formerly Invitae), Labcorp
Classification: Uncertain significance for Arrhythmogenic right ventricular dysplasia 11. Last evaluated: 2025-09-10. Review status: criteria provided, single submitter. Criteria: Invitae Variant Classification Sherloc (09022015). Collection method: clinical testing. Allele origin: germline.
Comment: This sequence change replaces proline, which is neutral and non-polar, with threonine, which is neutral and polar, at codon 683 of the DSC2 protein (p.Pro683Thr). This variant is not present in population databases (gnomAD no frequency). This variant has not been reported in the literature in individuals affected with DSC2-related conditions. ClinVar contains an entry for this variant (Variation ID: 575502). Invitae Evidence Modeling of protein sequence and biophysical properties (such as structural, functional, and spatial information, amino acid conservation, physicochemical variation, residue mobility, and thermodynamic stability) indicates that this missense variant is not expected to disrupt DSC2 protein function with a negative predictive value of 80%. In summary, the available evidence is currently insufficient to determine the role of this variant in disease. Therefore, it has been classified as a Variant of Uncertain Significance.

Color Diagnostics, LLC DBA Color Health
Classification: Uncertain significance for Cardiomyopathy. Last evaluated: 2025-06-30. Review status: criteria provided, single submitter. Criteria: ACMG Guidelines, 2015. Collection method: clinical testing. Allele origin: germline.
Comment: This missense variant replaces proline with threonine at codon 683 of the DSC2 protein. Computational prediction suggests that this variant may not impact protein structure and function. To our knowledge, functional studies have not been reported for this variant. This variant has not been reported in individuals affected with DSC2-related disorders in the literature. This variant has not been identified in the general population by the Genome Aggregation Database (gnomAD). The available evidence is insufficient to determine the role of this variant in disease conclusively. Therefore, this variant is classified as a Variant of Uncertain Significance.

All of Us Research Program, National Institutes of Health
Classification: Uncertain significance for Familial isolated arrhythmogenic right ventricular dysplasia. Last evaluated: 2023-12-01. Review status: criteria provided, single submitter. Criteria: ACMG Guidelines, 2015. Collection method: clinical testing. Allele origin: germline. Inheritance: Autosomal dominant inheritance. Observed: 1 variant allele, 1 heterozygote.
Comment: This study involves interpretation of variants in research participants for the purpose of population health screening. Participant phenotype was not available at the time of variant classification. Additional details can be found in publication PMID: 35346344, PMCID: PMC8962531